The following is an entry in ClinVar:

ClinVar aggregate classification (germline): Likely pathogenic (1 of 4 stars; one submission).

Conditions:
Hereditary breast ovarian cancer syndrome. Also called: Breast and ovarian cancer; Hereditary breast and ovarian cancer; Hereditary breast and ovarian cancer syndrome; Hereditary breast and ovarian cancer syndrome (HBOC); BRCA1- and BRCA2-Associated Hereditary Breast and Ovarian Cancer; Hereditary breast and/or ovarian cancer syndrome. Identifiers: Orphanet 145, MedGen C0677776, MeSH D061325, MONDO:0003582. Disease mechanism: loss of function.

Submission:

Labcorp Genetics (formerly Invitae), Labcorp
Classification: Likely pathogenic for Hereditary breast ovarian cancer syndrome. Last evaluated: 2026-01-12. Review status: criteria provided, single submitter. Criteria: Invitae Variant Classification Sherloc (09022015). Collection method: clinical testing. Allele origin: germline.
Comment: This variant occurs in a non-coding region of the BRCA2 gene. It does not change the encoded amino acid sequence of the BRCA2 protein. It affects a nucleotide within the consensus splice site. This variant is not present in population databases (gnomAD no frequency). Disruption of this splice site has been observed in individual(s) with clinical features of Fanconi anemia (PMID: 24395671, 38685107). In at least one individual the data is consistent with being in trans (on the opposite chromosome) from a pathogenic variant. ClinVar contains an entry for this variant (Variation ID: 972475). Algorithms developed to predict the effect of variants on gene product structure and function are not available or were not evaluated for this variant. Experimental studies have shown that disruption of this splice site affects BRCA2 function (PMID: 24395671). Variants that disrupt the consensus splice site are a relatively common cause of aberrant splicing (PMID: 17576681, 9536098). Studies have shown that disruption of this splice site is associated with altered splicing resulting in alteration to a non-coding region of the gene (PMID: 24395671). In summary, the currently available evidence indicates that the variant is pathogenic, but additional data are needed to prove that conclusively. Therefore, this variant has been classified as Likely Pathogenic.

Literature cited by the submitters: PubMed 24395671; PubMed 38685107; PubMed 17576681; PubMed 9536098.

NM_000059.4(BRCA2):c.-40+1G>C

Genes: BRCA2 (BRCA2 DNA repair associated; plus strand), LOC106721785 (BRCA2 promoter/silencer region; plus strand). Cytogenetic location: 13q13.1.
Variant type: single nucleotide variant.
Coding change: c.-40+1G>C on transcript NM_000059.4 (MANE Select); the canonical splice donor site of the intron after 40 bases upstream of the start codon, G replaced by C.
Molecular consequence: splice donor variant.
Genome position (GRCh38, 1-based): chr13:32,315,668, G>C. VCF-style: chr13-32315668-G-C. GRCh37 (hg19) VCF-style: chr13-32889805-G-C.
Other names: c.-40+1G>C (NM_001406720.1, NM_001406719.1, NM_001406721.1); c.-303+1G>C (NM_001406722.1).
Identifiers: ClinVar variation 972475 (VCV000972475.8), dbSNP rs2072249096, ClinGen allele CA1139663041.
Genomic context (GRCh38, chr13:32,315,668, plus strand): 5'-TGACCGGCGCGGTTTTTGTCAGCTTACTCCGGCCAAAAAAGAACTGCACCTCTGGAGCGG[G>C]TTAGTGGTGGTGGTAGTGGGTTGGGACGAGCGCGTCTTCCGCAGTCCCAGTCCAGCGTGG-3'